The following is an entry in ClinVar:

NM_002109.6(HARS1):c.697A>G (p.Thr233Ala)

Gene: HARS1 (histidyl-tRNA synthetase 1; minus strand). Cytogenetic location: 5q31.3.
Variant type: single nucleotide variant.
Coding change: c.697A>G on transcript NM_002109.6 (MANE Select); coding-DNA position 697, A replaced by G.
Protein change: p.Thr233Ala; replaces threonine 233 with alanine.
Molecular consequence: missense variant.
Genome position (GRCh38, 1-based): chr5:140,677,687, T>C on the plus strand (A>G on the coding strand, the complement: HARS1 is on the minus strand). VCF-style: chr5-140677687-T-C. GRCh37 (hg19) VCF-style: chr5-140057272-T-C.
Other names: c.577A>G, p.Thr193Ala (NM_001258040.3); c.637A>G, p.Thr213Ala (NM_001258041.3); c.517A>G, p.Thr173Ala (NM_001258042.3); c.475A>G, p.Thr159Ala (NM_001289092.2); c.355A>G, p.Thr119Ala (NM_001289093.2); c.610A>G, p.Thr204Ala (NM_001289094.2); short protein forms T193A, T233A, T119A, T173A, T204A, T213A, T159A.
Identifiers: ClinVar variation 3001457 (VCV003001457.3), dbSNP rs1411041310, ClinGen allele CA361254744.

ClinVar aggregate classification (germline): Uncertain significance (1 of 4 stars; one submission).

Conditions:
Usher syndrome type 3B. Also called: USHER SYNDROME, TYPE IIIB. Identifiers: MedGen C3281066, MONDO:0013788, OMIM 614504.

Allele frequency attached by ClinVar (database versions not stated): gnomAD exomes below 0.00001; TOPMed below 0.00001; gnomAD 0.00001.
gnomAD v4.1: 2 of 1,611,672 alleles (0.00012%); highest among the groups gnomAD compares: Non-Finnish European, 0.00017%; no homozygotes.

Submission:

Labcorp Genetics (formerly Invitae), Labcorp
Classification: Uncertain significance for Usher syndrome type 3B. Last evaluated: 2024-09-15. Review status: criteria provided, single submitter. Criteria: Invitae Variant Classification Sherloc (09022015). Collection method: clinical testing. Allele origin: germline.
Comment: This sequence change replaces threonine, which is neutral and polar, with alanine, which is neutral and non-polar, at codon 233 of the HARS protein (p.Thr233Ala). This variant is present in population databases (no rsID available, gnomAD 0.0009%). This variant has not been reported in the literature in individuals affected with HARS-related conditions. An algorithm developed to predict the effect of missense changes on protein structure and function (PolyPhen-2) suggests that this variant is likely to be tolerated. In summary, the available evidence is currently insufficient to determine the role of this variant in disease. Therefore, it has been classified as a Variant of Uncertain Significance.